The following is an entry in ClinVar:

ClinVar aggregate classification (germline): Pathogenic/Likely pathogenic. Review status: criteria provided, multiple submitters, no conflicts (2 of 4 stars). 5 submissions from 5 submitters: Pathogenic (2); Likely pathogenic (3). Last evaluated 2025-07-21.

Conditions:
Pulmonary hypertension, neonatal, susceptibility to (PHN). Identifiers: MedGen C3714958, MONDO:0014151, OMIM 615371.
Congenital hyperammonemia, type I. Also called: CPS I DEFICIENCY; Carbamoyl phosphate synthetase 1 deficiency; Hyperammonemia due to carbamoyl phosphate synthetase 1 deficiency; CPS 1 deficiency; Carbamyl phosphate synthetase (CPS) deficiency; Carbamoyl-phosphate synthase I deficiency. Identifiers: Orphanet 147, MedGen C4082171, MONDO:0009376, OMIM 237300.

Allele frequency attached by ClinVar (database versions not stated): gnomAD exomes below 0.00001; TOPMed below 0.00001; gnomAD 0.00001.

Submissions (5):

Natera, Inc.
Classification: Likely pathogenic for Carbamoyl-phosphate synthase I deficiency. Last evaluated: 2025-07-21. Review status: criteria provided, single submitter. Criteria: Natera Variant Classification Schema (03/2026). Collection method: clinical testing. Allele origin: germline.
Comment: The c.1926delC variant in CPS1 is a frameshift variant predicted to shift the reading frame beginning at codon 642 and leads to a stop codon 39 codons downstream. This variant is expected to result in nonsense mediated decay, truncation, or a dysfunctional protein product. This variant is rare in the general population with a frequency below the threshold expected for the associated phenotype(s). Given the available evidence, this variant is classified as Likely Pathogenic.

Labcorp Genetics (formerly Invitae), Labcorp
Classification: Pathogenic for Congenital hyperammonemia, type I. Last evaluated: 2024-03-17. Review status: criteria provided, single submitter. Criteria: Invitae Variant Classification Sherloc (09022015). Collection method: clinical testing. Allele origin: germline.
Comment: This sequence change creates a premature translational stop signal (p.Asp642Glufs*39) in the CPS1 gene. It is expected to result in an absent or disrupted protein product. Loss-of-function variants in CPS1 are known to be pathogenic (PMID: 21120950). This variant is present in population databases (no rsID available, gnomAD 0.007%). This premature translational stop signal has been observed in individuals with neonatal hyperammonemia or carbamoyl phosphate synthetase I deficiency (Invitae). ClinVar contains an entry for this variant (Variation ID: 451569). For these reasons, this variant has been classified as Pathogenic.

Baylor Genetics
Classification: Pathogenic for Pulmonary hypertension, neonatal, susceptibility to. Last evaluated: 2023-07-19. Review status: criteria provided, single submitter. Criteria: ACMG Guidelines, 2015. Collection method: clinical testing. Allele origin: unknown.

GeneDx
Classification: Likely pathogenic. Last evaluated: 2023-01-13. Review status: criteria provided, single submitter. Criteria: GeneDx Variant Classification Process June 2021. Collection method: clinical testing. Allele origin: germline. Affected: yes.
Comment: Frameshift variant predicted to result in protein truncation or nonsense mediated decay in a gene for which loss-of-function is a known mechanism of disease; Not observed at a significant frequency in large population cohorts (gnomAD); Has not been previously published as pathogenic or benign to our knowledge

Revvity Omics, Revvity
Classification: Likely pathogenic for Congenital hyperammonemia, type I. Last evaluated: 2022-06-24. Review status: criteria provided, single submitter. Criteria: ACMG Guidelines, 2015. Collection method: clinical testing. Allele origin: germline.

Literature cited by the submitters: PubMed 21120950 (cited by Labcorp Genetics (formerly Invitae), Labcorp).

NM_001875.5(CPS1):c.1926del (p.Asp642fs)

Gene: CPS1 (carbamoyl-phosphate synthase 1; plus strand). Cytogenetic location: 2q34.
Variant type: Deletion.
Coding change: c.1926del on transcript NM_001875.5 (MANE Select); coding-DNA position 1926, one base deleted (C; older notation c.1926delC).
Protein change: p.Asp642fs; shifts the reading frame from aspartic acid 642.
Molecular consequence: frameshift variant. On other transcripts: non-coding transcript variant (2).
Genome position (GRCh38, 1-based): chr2:210,605,191, C deleted. VCF-style (leftmost placement, unchanged base first): chr2-210605190-AC-A. GRCh37 (hg19) VCF-style: chr2-211469914-AC-A.
Other names: c.1926del (NM_001875.4, LRG_336t1); c.1926del, p.Asp642fs (NM_001122633.3, NM_001369257.1); c.1959del, p.Asp653fs (NM_001369256.1); short protein forms D642fs, D653fs.
Identifiers: ClinVar variation 451569 (VCV000451569.16), dbSNP rs1326644714, ClinGen allele CA539126609.
Genomic context (GRCh38, chr2:210,605,190, plus strand): 5'-TGGAGAAGTCAGTGACAGGTTGGAAAGAAATAGAATATGAAGTGGTTCGAGATGCTGATG[AC>A]AATTGTGTCACTGTCTGTAACATGGAAAATGTTGATGCCATGGGTGTTCACACAGGTAGG-3'